The following is an entry in ClinVar:

NM_001174150.2(ARL13B):c.436T>G (p.Cys146Gly)

Gene: ARL13B (ARF like GTPase 13B; plus strand). Cytogenetic location: 3q11.2.
Variant type: single nucleotide variant.
Coding change: c.436T>G on transcript NM_001174150.2 (MANE Select); coding-DNA position 436, T replaced by G.
Protein change: p.Cys146Gly; replaces cysteine 146 with glycine.
Molecular consequence: missense variant. On other transcripts: non-coding transcript variant (2).
Genome position (GRCh38, 1-based): chr3:94,035,386, T>G. VCF-style: chr3-94035386-T-G. GRCh37 (hg19) VCF-style: chr3-93754230-T-G.
Other names: c.127T>G, p.Cys43Gly (NM_001174151.2); c.391T>G, p.Cys131Gly (NM_001321328.2); c.115T>G, p.Cys39Gly (NM_144996.4); c.436T>G, p.Cys146Gly (NM_182896.3); short protein forms C131G, C39G, C146G, C43G.
Identifiers: ClinVar variation 1504959 (VCV001504959.9), dbSNP rs202125140, ClinGen allele CA2504034.

ClinVar aggregate classification (germline): Conflicting classifications of pathogenicity. Review status: criteria provided, conflicting classifications (1 of 4 stars). 4 submissions from 4 submitters: Uncertain significance (3); Likely benign (1). Last evaluated 2025-06-11.

Conditions:
Inborn genetic diseases. Identifiers: MedGen C0950123, MeSH D030342.
Joubert syndrome 8 (JBTS8). Identifiers: Orphanet 475, MedGen C2676771, MONDO:0012855, OMIM 612291.

Allele frequency attached by ClinVar (database versions not stated): gnomAD 0.00001 and 0.00002; gnomAD exomes 0.00001 and 0.00007; TOPMed 0.00002; ExAC 0.00004; 1000 Genomes Project 30x 0.00016; 1000 Genomes Project 0.00020.

Submissions (4):

Ambry Genetics
Classification: Uncertain significance for Inborn genetic diseases. Last evaluated: 2025-06-11. Review status: criteria provided, single submitter. Criteria: Ambry Variant Classification Scheme 2023. Collection method: clinical testing. Allele origin: germline.

Fulgent Genetics
Classification: Uncertain significance for Joubert syndrome 8. Last evaluated: 2024-01-02. Review status: criteria provided, single submitter. Criteria: ACMG Guidelines, 2015. Collection method: clinical testing. Allele origin: germline.

Women's Health and Genetics/Laboratory Corporation of America, LabCorp
Classification: Likely benign. Last evaluated: 2022-05-04. Review status: criteria provided, single submitter. Criteria: LabCorp Variant Classification Summary - May 2015. Collection method: clinical testing. Allele origin: germline.
Comment: Variant summary: ARL13B c.436T>G (p.Cys146Gly) results in a non-conservative amino acid change in the encoded protein sequence. Four of five in-silico tools predict a benign effect of the variant on protein function. The variant allele was found at a frequency of 6.9e-05 in 246430 control chromosomes (gnomAD), predominantly at a frequency of 0.00095 within the East Asian subpopulation. The observed variant frequency within East Asian control individuals in the gnomAD database is approximately 2.4 fold of the estimated maximal expected allele frequency for a pathogenic variant in ARL13B causing Joubert Syndrome and Related Disorders phenotype (0.0004), suggesting that the variant is a benign polymorphism. To our knowledge, no occurrence of c.436T>G in individuals affected with Joubert Syndrome and Related Disorders and no experimental evidence demonstrating its impact on protein function have been reported. One ClinVar submitter has assessed the variant since 2014: the variant was classified as of uncertain significance. Based on the evidence outlined above, the variant was classified as likely benign.

Labcorp Genetics (formerly Invitae), Labcorp
Classification: Uncertain significance for Joubert syndrome 8. Last evaluated: 2022-02-22. Review status: criteria provided, single submitter. Criteria: Invitae Variant Classification Sherloc (09022015). Collection method: clinical testing. Allele origin: germline.
Comment: In summary, the available evidence is currently insufficient to determine the role of this variant in disease. Therefore, it has been classified as a Variant of Uncertain Significance. Algorithms developed to predict the effect of sequence changes on RNA splicing suggest that this variant may create or strengthen a splice site. Algorithms developed to predict the effect of missense changes on protein structure and function (SIFT, PolyPhen-2, Align-GVGD) all suggest that this variant is likely to be tolerated. This variant has not been reported in the literature in individuals affected with ARL13B-related conditions. This variant is present in population databases (rs202125140, gnomAD 0.09%). This sequence change replaces cysteine, which is neutral and slightly polar, with glycine, which is neutral and non-polar, at codon 146 of the ARL13B protein (p.Cys146Gly).